The following is an entry in ClinVar:

NM_014795.4(ZEB2):c.610C>G (p.Pro204Ala)

Gene: ZEB2 (zinc finger E-box binding homeobox 2; minus strand). Cytogenetic location: 2q22.3.
Variant type: single nucleotide variant.
Coding change: c.610C>G on transcript NM_014795.4 (MANE Select); coding-DNA position 610, C replaced by G.
Protein change: p.Pro204Ala; replaces proline 204 with alanine.
Molecular consequence: missense variant.
Genome position (GRCh38, 1-based): chr2:144,404,113, G>C on the plus strand (C>G on the coding strand, the complement: ZEB2 is on the minus strand). VCF-style: chr2-144404113-G-C. GRCh37 (hg19) VCF-style: chr2-145161680-G-C.
Other names: c.538C>G, p.Pro180Ala (NM_001171653.2); short protein forms P204A, P180A.
Identifiers: ClinVar variation 1950584 (VCV001950584.5), dbSNP rs1181070035, ClinGen allele CA348714993.

ClinVar aggregate classification (germline): Uncertain significance (1 of 4 stars; one submission).

Conditions:
Mowat-Wilson syndrome (MOWS). Also called: Classic Mowat-Wilson Syndrome. Identifiers: Orphanet 2152, MedGen C1856113, MONDO:0009341, OMIM 235730.

Allele frequency attached by ClinVar (database versions not stated): gnomAD 0.00001.
gnomAD v4.1: 1 of 1,613,984 alleles (0.000062%); highest among the groups gnomAD compares: Admixed American, 0.0017%; no homozygotes.

Submission:

Labcorp Genetics (formerly Invitae), Labcorp
Classification: Uncertain significance for Mowat-Wilson syndrome. Last evaluated: 2024-02-07. Review status: criteria provided, single submitter. Criteria: Invitae Variant Classification Sherloc (09022015). Collection method: clinical testing. Allele origin: germline.
Comment: This sequence change replaces proline, which is neutral and non-polar, with alanine, which is neutral and non-polar, at codon 204 of the ZEB2 protein (p.Pro204Ala). This variant is present in population databases (no rsID available, gnomAD 0.1%). This variant has not been reported in the literature in individuals affected with ZEB2-related conditions. ClinVar contains an entry for this variant (Variation ID: 1950584). Advanced modeling of protein sequence and biophysical properties (such as structural, functional, and spatial information, amino acid conservation, physicochemical variation, residue mobility, and thermodynamic stability) performed at Invitae indicates that this missense variant is not expected to disrupt ZEB2 protein function with a negative predictive value of 80%. In summary, the available evidence is currently insufficient to determine the role of this variant in disease. Therefore, it has been classified as a Variant of Uncertain Significance.